The following is an entry in ClinVar:

NM_006502.3(POLH):c.698A>G (p.Asn233Ser)

Gene: POLH (DNA polymerase eta; plus strand). Cytogenetic location: 6p21.1.
Variant type: single nucleotide variant.
Coding change: c.698A>G on transcript NM_006502.3 (MANE Select); coding-DNA position 698, A replaced by G.
Protein change: p.Asn233Ser; replaces asparagine 233 with serine.
Molecular consequence: missense variant.
Genome position (GRCh38, 1-based): chr6:43,601,025, A>G. VCF-style: chr6-43601025-A-G. GRCh37 (hg19) VCF-style: chr6-43568762-A-G.
Other names: c.326A>G, p.Asn109Ser (NM_001291969.2); c.698A>G, p.Asn233Ser (NM_001291970.2); short protein forms N233S, N109S.
Identifiers: ClinVar variation 356901 (VCV000356901.21), dbSNP rs61756403, ClinGen allele CA3827058.

ClinVar aggregate classification (germline): Conflicting classifications of pathogenicity. Review status: criteria provided, conflicting classifications (1 of 4 stars). 5 submissions from 5 submitters: Uncertain significance (2); Likely benign (3). Last evaluated 2026-01-31.

Conditions:
Xeroderma pigmentosum variant type. Also called: XERODERMA PIGMENTOSUM WITH NORMAL DNA REPAIR RATES; PHOTOSENSITIVITY WITH DEFECTIVE DNA SYNTHESIS; POLH-Related Xeroderma Pigmentosum. Identifiers: Orphanet 90342, MedGen C1848410, MONDO:0010214, OMIM 278750.

Allele frequency attached by ClinVar (database versions not stated): gnomAD 0.00092 and 0.00083; 1000 Genomes Project 30x 0.00297; ExAC 0.00051; gnomAD exomes 0.00085; TOPMed 0.00152; 1000 Genomes Project 0.00280.
gnomAD v4.1: 451 of 1,614,182 alleles (0.028%); highest among the groups gnomAD compares: Admixed American, 0.67%; 3 homozygotes.

Submissions (5):

Labcorp Genetics (formerly Invitae), Labcorp
Classification: Likely benign. Last evaluated: 2026-01-31. Review status: criteria provided, single submitter. Criteria: Invitae Variant Classification Sherloc (09022015). Collection method: clinical testing. Allele origin: germline.

Dasa
Classification: Uncertain significance. Last evaluated: 2025-12-08. Review status: criteria provided, single submitter. Criteria: DASA Assertion Criteria. Collection method: clinical testing. Allele origin: germline.
Comment: NM_006502.3(POLH):c.698A>G (p.Asn233Ser) is a missense variant that results in the substitution of asparagine with serine. This classification is supported by population frequency inconsistent with a disease-causing role. The currently available literature and clinical evidence are not sufficient to establish a definitive association between this variant and the reported condition. Therefore, this variant is classified as a variant of uncertain significance.

Revvity Omics, Revvity
Classification: Uncertain significance for Xeroderma pigmentosum variant type. Last evaluated: 2020-11-12. Review status: criteria provided, single submitter. Criteria: ACMG Guidelines, 2015. Collection method: clinical testing. Allele origin: germline.

Illumina Laboratory Services, Illumina
Classification: Likely benign for Xeroderma pigmentosum variant type. Last evaluated: 2018-01-12. Review status: criteria provided, single submitter. Criteria: ICSL Variant Classification Criteria 13 December 2019. Collection method: clinical testing. Allele origin: germline.
Comment: This variant was observed in the ICSL laboratory as part of a predisposition screen in an ostensibly healthy population. It had not been previously curated by ICSL or reported in the Human Gene Mutation Database (HGMD: prior to June 1st, 2018), and was therefore a candidate for classification through an automated scoring system. Utilizing variant allele frequency, disease prevalence and penetrance estimates, and inheritance mode, an automated score was calculated to assess if this variant is too frequent to cause the disease. Based on the score and internal cut-off values, a variant classified as likely benign is not then subjected to further curation. The score for this variant resulted in a classification of likely benign for this disease.

Breakthrough Genomics
Classification: Likely benign. Review status: criteria provided, single submitter. Criteria: ACMG Guidelines, 2015. Collection method: not provided. Allele origin: germline. Inheritance: Autosomal recessive inheritance. Affected: yes.